The following is an entry in ClinVar:

ClinVar aggregate classification (germline): Pathogenic. Review status: reviewed by expert panel (3 of 4 stars). 12 submissions from 12 submitters: Pathogenic (1). 11 of the submissions do not count toward it. Last evaluated 2016-04-22.

Conditions:
Hereditary cancer-predisposing syndrome. Also called: Neoplastic Syndromes, Hereditary; Hereditary neoplastic syndrome; Hereditary Cancer Syndrome; Tumor predisposition. Identifiers: Orphanet 140162, MedGen C0027672, MeSH D009386, MONDO:0015356.
Hereditary breast ovarian cancer syndrome. Also called: Breast and ovarian cancer; BRCA1- and BRCA2-Associated Hereditary Breast and Ovarian Cancer; Hereditary breast and ovarian cancer syndrome (HBOC); Hereditary breast and/or ovarian cancer syndrome; Hereditary breast and ovarian cancer; Hereditary breast and ovarian cancer syndrome. Identifiers: Orphanet 145, MedGen C0677776, MeSH D061325, MONDO:0003582. Disease mechanism: loss of function.
Breast-ovarian cancer, familial, susceptibility to, 2 (BROVCA2). Also called: BRCA2 Hereditary Breast and Ovarian Cancer. Identifiers: Orphanet 145, MedGen C2675520, MONDO:0012933, OMIM 612555. Disease mechanism: loss of function.
Familial cancer of breast. Also called: hereditary breast carcinoma; Hereditary breast cancer; BREAST CANCER, FAMILIAL. Identifiers: Orphanet 227535, MedGen C0346153, MONDO:0016419, OMIM 114480. Disease mechanism: loss of function.
Malignant tumor of breast. Also called: Malignant breast neoplasm; Cancer breast. Identifiers: MedGen C0006142, MONDO:0007254. Disease mechanism: loss of function.

Submissions (12):

Evidence-based Network for the Interpretation of Germline Mutant Alleles (ENIGMA)
Classification: Pathogenic for Breast-ovarian cancer, familial, susceptibility to, 2. Last evaluated: 2016-04-22. Review status: reviewed by expert panel. Criteria: ENIGMA BRCA1/2 Classification Criteria (2015). Collection method: curation. Allele origin: germline.
Comment: Variant allele predicted to encode a truncated non-functional protein.

Labcorp Genetics (formerly Invitae), Labcorp
Classification: Pathogenic for Hereditary breast ovarian cancer syndrome. Last evaluated: 2025-09-25. Review status: criteria provided, single submitter. Criteria: Invitae Variant Classification Sherloc (09022015). Collection method: clinical testing. Allele origin: germline. Not counted in ClinVar's aggregate classification.
Comment: This sequence change creates a premature translational stop signal (p.Val2151Serfs*25) in the BRCA2 gene. It is expected to result in an absent or disrupted protein product. Loss-of-function variants in BRCA2 are known to be pathogenic (PMID: 20104584). This variant is not present in population databases (gnomAD no frequency). This premature translational stop signal has been observed in individual(s) with hereditary breast and/or ovarian cancer (PMID: 11873550). This variant is also known as 6678insA. ClinVar contains an entry for this variant (Variation ID: 52107). For these reasons, this variant has been classified as Pathogenic.

GeneDx
Classification: Pathogenic. Last evaluated: 2025-09-10. Review status: criteria provided, single submitter. Criteria: GeneDx Variant Classification Process June 2021. Collection method: clinical testing. Allele origin: germline. Not counted in ClinVar's aggregate classification.
Comment: Not observed at significant frequency in large population cohorts (gnomAD); Truncating variants in this gene are considered pathogenic by a well-established clinical consortium and/or database; Also known as 6678insA; Frameshift variant predicted to result in protein truncation or nonsense mediated decay in a gene for which loss of function is a known mechanism of disease; Identified in individuals with personal or family history consistent with pathogenic variants in this gene in published literature (PMID: 11873550, 29470806, 30825404, 33461583, 34026625, 35205366, 35053526, 35264596, 36292577); This variant is associated with the following publications: (PMID: 11873550, 29470806, 30825404, 34026625, 35205366, 35053526, 31209999, 26997744, 35264596, 36292577, 33461583)

Ambry Genetics
Classification: Pathogenic for Hereditary cancer-predisposing syndrome. Last evaluated: 2025-01-03. Review status: criteria provided, single submitter. Criteria: Ambry Variant Classification Scheme 2023. Collection method: clinical testing. Allele origin: germline. Not counted in ClinVar's aggregate classification.
Comment: The c.6450dupA pathogenic mutation, located in coding exon 10 of the BRCA2 gene, results from a duplication of A at nucleotide position 6450, causing a translational frameshift with a predicted alternate stop codon (p.V2151Sfs*25). This variant is considered to be rare based on population cohorts in the Genome Aggregation Database (gnomAD). This alteration is expected to result in loss of function by premature protein truncation or nonsense-mediated mRNA decay. As such, this alteration is interpreted as a disease-causing mutation.

Quest Diagnostics Nichols Institute San Juan Capistrano
Classification: Pathogenic. Last evaluated: 2024-03-29. Review status: criteria provided, single submitter. Criteria: Quest Diagnostics criteria. Collection method: clinical testing. Allele origin: unknown. Not counted in ClinVar's aggregate classification.
Comment: The BRCA2 c.6450dup (p.Val2151Serfs*25) variant alters the translational reading frame of the BRCA2 mRNA and causes the premature termination of BRCA2 protein synthesis. This variant has been reported in the published literature in individuals with breast and/or ovarian cancer (PMID: 30825404 (2019), 34026625 (2021), 35264596 (2022), 36292577 (2022)). This variant has not been reported in large, multi-ethnic general populations (Genome Aggregation Database). Based on the available information, this variant is classified as pathogenic.

Baylor Genetics
Classification: Pathogenic for Familial cancer of breast. Last evaluated: 2022-09-29. Review status: criteria provided, single submitter. Criteria: ACMG Guidelines, 2015. Collection method: clinical testing. Allele origin: unknown. Not counted in ClinVar's aggregate classification.

Color Diagnostics, LLC DBA Color Health
Classification: Pathogenic for Hereditary cancer-predisposing syndrome. Last evaluated: 2020-01-15. Review status: criteria provided, single submitter. Criteria: ACMG Guidelines, 2015. Collection method: clinical testing. Allele origin: germline. Not counted in ClinVar's aggregate classification.
Comment: This variant inserts 1 nucleotide in exon 11 of the BRCA2 gene, creating a frameshift and premature translation stop signal. This variant is expected to result in an absent or non-functional protein product. This variant has not been identified in the general population by the Genome Aggregation Database (gnomAD). Loss of BRCA2 function is a known mechanism of disease. Based on the available evidence, this variant is classified as Pathogenic.

Mendelics
Classification: Pathogenic for Hereditary breast and ovarian cancer syndrome. Last evaluated: 2018-07-02. Review status: criteria provided, single submitter. Criteria: Mendelics Assertion Criteria 2017. Collection method: clinical testing. Allele origin: unknown. Not counted in ClinVar's aggregate classification.

Consortium of Investigators of Modifiers of BRCA1/2 (CIMBA), c/o University of Cambridge
Classification: Pathogenic for Breast-ovarian cancer, familial, susceptibility to, 2. Last evaluated: 2015-10-02. Review status: criteria provided, single submitter. Criteria: CIMBA Mutation Classification guidelines May 2016. Collection method: clinical testing. Allele origin: germline. Not counted in ClinVar's aggregate classification.

Counsyl
Classification: Pathogenic for Breast-ovarian cancer, familial, susceptibility to, 2. Last evaluated: 2016-12-21. Review status: no assertion criteria provided. Collection method: clinical testing. Allele origin: unknown. Not counted in ClinVar's aggregate classification.

Breast Cancer Information Core (BIC) (BRCA2)
Classification: Pathogenic for Breast-ovarian cancer, familial 2. Last evaluated: 2002-05-29. Review status: no assertion criteria provided. Collection method: clinical testing. Allele origin: germline. Affected: yes. Observed: 2 variant alleles. Not counted in ClinVar's aggregate classification.

Department of Pathology and Laboratory Medicine, Sinai Health System
Classification: Pathogenic for Malignant tumor of breast. Review status: no assertion criteria provided. Collection method: clinical testing. Allele origin: unknown. Affected: yes. Study: The Canadian Open Genetics Repository (COGR). Not counted in ClinVar's aggregate classification.
Comment: The BRCA2 p.Val2151SerfsX25 variant was identified in 1 of 160 proband chromosomes (frequency: 0.006) from individuals or families with onset of breast cancers before age 45 (Fries 2002). The variant was identified by our laboratory in 2 individual with breast cancer. The variant was also identified in dbSNP (ID: rs80359595 â€šÃ„ÃºWith pathogenic alleleâ€šÃ„Ã¹. This variant was not identified in NHLBI Exome Sequencing Project (Exome Variant Server) or Exome Aggregation Consortium (ExAC) database (released January 13, 2015). The p.Val2151SerfsX25 variant was identified in the Clinvar database by BIC and classified as pathogenic; Invitae did not provide a classification. In the BRCA Share UMD database, the variant was identified 2x and classified as causal. The BIC database identified the variant 2x with clinical importance and classified as pathogenic. The ARUP laboratory identified the variant 1x and classified it as pathogenic. The p.Val2151SerfsX25, duplication variant is predicted to cause a frameshift, which alters the protein's amino acid sequence beginning at codon 2151 and leads to a premature stop codon 25 codons downstream. This alteration is then predicted to result in a truncated or absent protein and loss of function. Loss of function variants of the BRCA2 gene are an established mechanism of disease in hereditary breast and ovarian cancer and is the type of variant expected to cause the disorder. In summary, based on the above information, this variant meets our laboratoryâ€šÃ„Ã´s criteria to be classified as pathogenic.

Literature cited by the submitters: PubMed 20104584 (cited by Labcorp Genetics (formerly Invitae), Labcorp); PubMed 11873550 (cited by Labcorp Genetics (formerly Invitae), Labcorp and Counsyl); PubMed 36292577 (cited by Quest Diagnostics Nichols Institute San Juan Capistrano); PubMed 34026625 (cited by Quest Diagnostics Nichols Institute San Juan Capistrano); PubMed 35264596 (cited by Quest Diagnostics Nichols Institute San Juan Capistrano); PubMed 29470806 (cited by Quest Diagnostics Nichols Institute San Juan Capistrano); PubMed 30825404 (cited by Quest Diagnostics Nichols Institute San Juan Capistrano); PubMed 29446198 (cited by Quest Diagnostics Nichols Institute San Juan Capistrano).

NM_000059.4(BRCA2):c.6450dup (p.Val2151fs)

Gene: BRCA2 (BRCA2 DNA repair associated; plus strand). Cytogenetic location: 13q13.1.
Variant type: Duplication.
Coding change: c.6450dup on transcript NM_000059.4 (MANE Select); coding-DNA position 6450, one base duplicated (A; older notation c.6450dupA).
Protein change: p.Val2151fs; shifts the reading frame from valine 2151.
Molecular consequence: frameshift variant.
Genome position (GRCh38, 1-based): chr13:32,340,805, A duplicated; the last of 3 consecutive A bases (chr13:32,340,803-32,340,805); duplicating any one gives the same sequence. VCF-style (leftmost placement, unchanged base first): chr13-32340802-T-TA. GRCh37 (hg19) VCF-style: chr13-32914939-T-TA.
Other names: 6678insA; 6569dup; c.6450dupA (NM_000059.3); short protein forms V2151fs.
Identifiers: ClinVar variation 52107 (VCV000052107.29), dbSNP rs80359594, ClinGen allele CA024068.